The following is an entry in ClinVar:

NM_005076.5(CNTN2):c.1460C>T (p.Thr487Ile)

Gene: CNTN2 (contactin 2; plus strand). Cytogenetic location: 1q32.1.
Variant type: single nucleotide variant.
Coding change: c.1460C>T on transcript NM_005076.5 (MANE Select); coding-DNA position 1460, C replaced by T.
Protein change: p.Thr487Ile; replaces threonine 487 with isoleucine.
Molecular consequence: missense variant. On other transcripts: non-coding transcript variant (1).
Genome position (GRCh38, 1-based): chr1:205,064,691, C>T. VCF-style: chr1-205064691-C-T. GRCh37 (hg19) VCF-style: chr1-205033819-C-T.
Other names: c.1460C>T, p.Thr487Ile (NM_001346083.2); short protein forms T487I.
Identifiers: ClinVar variation 474464 (VCV000474464.19), dbSNP rs116647440, ClinGen allele CA1351387.

ClinVar aggregate classification (germline): Conflicting classifications of pathogenicity. Review status: criteria provided, conflicting classifications (1 of 4 stars). 4 submissions from 4 submitters: Uncertain significance (3); Likely benign (1). Last evaluated 2026-08-24.

Conditions:
Epilepsy, familial adult myoclonic, 5 (EPEO5). Also called: CORTICAL MYOCLONIC TREMOR WITH EPILEPSY, FAMILIAL, 5. Identifiers: Orphanet 86814, MedGen C3809374, MONDO:0014167, OMIM 615400.

Allele frequency attached by ClinVar (database versions not stated): 1000 Genomes Project 30x 0.00016; 1000 Genomes Project 0.00020; TOPMed 0.00041; gnomAD 0.00047; gnomAD exomes 0.00047 and 0.00039; ESP Exome Variant Server 0.00069; ExAC 0.00040.
gnomAD v4.1: 746 of 1,614,182 alleles (0.046%); highest among the groups gnomAD compares: Non-Finnish European, 0.057%; no homozygotes.

Submissions (4):

GeneDx
Classification: Uncertain significance. Last evaluated: 2026-08-24. Review status: criteria provided, single submitter. Criteria: GeneDx Variant Classification Process June 2021. Collection method: clinical testing. Allele origin: germline.
Comment: Reported previously in the heterozygous state in an individual with epilepsy and two control individuals (PMID: 23518707); In silico analysis supports that this missense variant has a deleterious effect on protein structure/function; This variant is associated with the following publications: (PMID: 23518707)

Labcorp Genetics (formerly Invitae), Labcorp
Classification: Likely benign for Epilepsy, familial adult myoclonic, 5. Last evaluated: 2026-01-24. Review status: criteria provided, single submitter. Criteria: Invitae Variant Classification Sherloc (09022015). Collection method: clinical testing. Allele origin: germline.

Center for Genomics, Ann and Robert H. Lurie Children's Hospital of Chicago
Classification: Uncertain significance for Epilepsy, familial adult myoclonic, 5. Last evaluated: 2022-09-28. Review status: criteria provided, single submitter. Criteria: ACMG Guidelines, 2015. Collection method: clinical testing. Allele origin: germline.
Comment: This variant has not been reported in the literature but is present in the Genome Aggregation Database (Highest reported MAF 0.08% (56/68034). This variant is present in ClinVar (Variation ID:474464). Evolutionary conservation for this variant is unclear; computational predictive tools suggest that this variant may impact the protein. In summary, data on this variant is insufficient for disease classification. Therefore, the clinical significance of this variant is uncertain.

Fulgent Genetics
Classification: Uncertain significance for Epilepsy, familial adult myoclonic, 5. Last evaluated: 2018-10-31. Review status: criteria provided, single submitter. Criteria: ACMG Guidelines, 2015. Collection method: clinical testing. Allele origin: unknown.